The following is an entry in ClinVar:

NM_013436.5(NCKAP1):c.60C>T (p.Leu20=)

Gene: NCKAP1 (NCK associated protein 1; minus strand). Cytogenetic location: 2q32.1.
Variant type: single nucleotide variant.
Coding change: c.60C>T on transcript NM_013436.5 (MANE Select); coding-DNA position 60, C replaced by T.
Protein change: p.Leu20=; no amino-acid change (leucine 20 retained).
Molecular consequence: synonymous variant.
Genome position (GRCh38, 1-based): chr2:183,038,040, G>A on the plus strand (C>T on the coding strand, the complement: NCKAP1 is on the minus strand). VCF-style: chr2-183038040-G-A. GRCh37 (hg19) VCF-style: chr2-183902768-G-A.
Other names: c.60C>T, p.Leu20= (NM_205842.3).
Identifiers: ClinVar variation 3051124 (VCV003051124.2), dbSNP rs138660373, ClinGen allele CA2015023.

ClinVar aggregate classification (germline): Likely benign (0 of 4 stars; one submission).

Conditions:
NCKAP1-related disorder. Also called: NCKAP1-related condition.

Allele frequency attached by ClinVar (database versions not stated): gnomAD exomes 0.00016; ExAC 0.00054; 1000 Genomes Project 0.00080; 1000 Genomes Project 30x 0.00109; ESP Exome Variant Server 0.00146; gnomAD 0.00155; TOPMed 0.00176.
gnomAD v4.1: 473 of 1,587,510 alleles (0.03%); highest among the groups gnomAD compares: African/African-American, 0.58%; no homozygotes.

Submission:

PreventionGenetics, part of Exact Sciences
Classification: Likely benign for NCKAP1-related condition. Last evaluated: 2020-01-24. Review status: no assertion criteria provided. Collection method: clinical testing. Allele origin: germline.
Comment: This variant is classified as likely benign based on ACMG/AMP sequence variant interpretation guidelines (Richards et al. 2015 PMID: 25741868, with internal and published modifications).